The following is an entry in ClinVar:

NM_018928.3(PCDHGC4):c.44C>T (p.Ala15Val)

Genes: PCDHG@ (protocadherin gamma cluster; plus strand), PCDHGA1 (protocadherin gamma subfamily A, 1; plus strand), PCDHGA10 (protocadherin gamma subfamily A, 10; plus strand), PCDHGA11 (protocadherin gamma subfamily A, 11; plus strand), PCDHGA12 (protocadherin gamma subfamily A, 12; plus strand) and 17 more. Cytogenetic location: 5q31.3.
Variant type: single nucleotide variant.
Coding change: c.44C>T on transcript NM_018928.3 (MANE Select); coding-DNA position 44, C replaced by T.
Protein change: p.Ala15Val; replaces alanine 15 with valine.
Molecular consequence: missense variant. On other transcripts: intron variant (23).
Genome position (GRCh38, 1-based): chr5:141,485,217, C>T. VCF-style: chr5-141485217-C-T. GRCh37 (hg19) VCF-style: chr5-140864784-C-T.
Other names: c.44C>T, p.Ala15Val (NM_032406.1); c.2422-9590C>T (NM_018912.3, NM_018923.3, NM_018918.3); c.2425-9590C>T (NM_018915.4, NM_018916.4, NM_018919.3 and 4 more transcripts); c.2410-9590C>T (NM_018922.3); c.2515-9590C>T (NM_018917.4); c.2416-9590C>T (NM_018924.5, NM_018927.4); c.2398-9590C>T (NM_003736.4, NM_018925.3); c.2419-9590C>T (NM_018926.3); and 6 more; short protein forms A15V.
Identifiers: ClinVar variation 3898138 (VCV003898138.7).
Genomic context (GRCh38, chr5:141,485,217, plus strand): 5'-ATTAGCGGGCGGCAGCAATGCTCCGCAAGGTGAGAAGCTGGACAGAAATCTGGCGGTGGG[C>T]TACCCTTTTGTTCCTCTTTTACCACCTGGGTTACGTTTGTGGGCAGATCCGCTACCCGGT-3'
Protein context (NP_061751.1, residues 5-25): VRSWTEIWRW[Ala15Val]TLLFLFYHLG

ClinVar aggregate classification (germline): Likely benign (1 of 4 stars; one submission).

gnomAD v4.1: 7,893 of 1,614,092 alleles (0.49%); highest among the groups gnomAD compares: Admixed American, 0.88%; 42 homozygotes.

Submission:

CeGaT Center for Human Genetics Tuebingen
Classification: Likely benign. Last evaluated: 2026-09-01. Review status: criteria provided, single submitter. Criteria: CeGaT Center For Human Genetics Tuebingen Variant Classification Criteria Version 2. Collection method: clinical testing. Allele origin: germline. Affected: yes. Observed: 10 variant alleles.
Comment: PCDHGC4: BP4, BS2